The following is an entry in ClinVar:

NM_001081.4(CUBN):c.6949C>T (p.Arg2317Ter)

Gene: CUBN (cubilin; minus strand). Cytogenetic location: 10p13.
Variant type: single nucleotide variant.
Coding change: c.6949C>T on transcript NM_001081.4 (MANE Select); coding-DNA position 6949, C replaced by T.
Protein change: p.Arg2317Ter; replaces arginine 2317 with a stop codon.
Molecular consequence: nonsense.
Genome position (GRCh38, 1-based): chr10:16,918,673, G>A on the plus strand (C>T on the coding strand, the complement: CUBN is on the minus strand). VCF-style: chr10-16918673-G-A. GRCh37 (hg19) VCF-style: chr10-16960672-G-A.
Other names: short protein forms R2317*.
Identifiers: ClinVar variation 3592528 (VCV003592528.2).

ClinVar aggregate classification (germline): Likely pathogenic. Review status: criteria provided, multiple submitters, no conflicts (2 of 4 stars). 2 submissions from 2 submitters: Likely pathogenic (2). Last evaluated 2025-07-08.

Conditions:
Imerslund-Grasbeck syndrome type 1 (IGS1). Also called: MEGALOBLASTIC ANEMIA, 1; Megaloblastic anemia 1, Finnish type; Imerslund-Gräsbeck syndrome 1. Identifiers: MedGen C4016819, MONDO:0100156, OMIM 261100.
Proteinuria, chronic benign. Identifiers: MedGen C5394384, MONDO:0030042, OMIM 618884.

gnomAD v4.1: 59 of 1,613,734 alleles (0.0037%); highest among the groups gnomAD compares: South Asian, 0.012%; no homozygotes.

Submissions (2):

First Genomix Gene Laboratory, Genetic Diagnostics Department
Classification: Likely pathogenic for Proteinuria, chronic benign; Imerslund-Grasbeck syndrome type 1. Last evaluated: 2025-07-08. Review status: criteria provided, single submitter. Criteria: ACMG Guidelines, 2015. Collection method: clinical testing. Allele origin: germline. Inheritance: Autosomal recessive inheritance. Affected: no. Observed: 1 variant allele.

Fulgent Genetics
Classification: Likely pathogenic for Imerslund-Grasbeck syndrome type 1; Proteinuria, chronic benign. Last evaluated: 2023-12-27. Review status: criteria provided, single submitter. Criteria: ACMG Guidelines, 2015. Collection method: clinical testing. Allele origin: germline.